The following is an entry in ClinVar:

NM_001042492.3(NF1):c.3988G>C (p.Glu1330Gln)

Gene: NF1 (neurofibromin 1; plus strand). Cytogenetic location: 17q11.2.
Variant type: single nucleotide variant.
Coding change: c.3988G>C on transcript NM_001042492.3 (MANE Select); coding-DNA position 3988, G replaced by C.
Protein change: p.Glu1330Gln; replaces glutamic acid 1330 with glutamine.
Molecular consequence: missense variant.
Genome position (GRCh38, 1-based): chr17:31,248,997, G>C. VCF-style: chr17-31248997-G-C. GRCh37 (hg19) VCF-style: chr17-29576015-G-C.
Other names: c.3988G>C, p.Glu1330Gln (NM_000267.4); short protein forms E1330Q.
Identifiers: ClinVar variation 1009326 (VCV001009326.5), dbSNP rs1483311407, ClinGen allele CA398994832.

ClinVar aggregate classification (germline): Uncertain significance (1 of 4 stars; one submission).

Conditions:
Neurofibromatosis, type 1 (NF1). Also called: VON RECKLINGHAUSEN DISEASE; Neurofibromatosis, type I; NEUROFIBROMATOSIS, TYPE I, SOMATIC; Peripheral type neurofibromatosis. Identifiers: Orphanet 636, MedGen C0027831, MONDO:0018975, OMIM 162200. Disease mechanism: loss of function.

Allele frequency attached by ClinVar (database versions not stated): TOPMed below 0.00001; gnomAD 0.00001.
gnomAD v4.1: 1 of 1,613,978 alleles (0.000062%); highest among the groups gnomAD compares: Non-Finnish European, 0.000085%; no homozygotes.

Submission:

Labcorp Genetics (formerly Invitae), Labcorp
Classification: Uncertain significance for Neurofibromatosis, type 1. Last evaluated: 2025-08-09. Review status: criteria provided, single submitter. Criteria: Invitae Variant Classification Sherloc (09022015). Collection method: clinical testing. Allele origin: germline.
Comment: This sequence change replaces glutamic acid, which is acidic and polar, with glutamine, which is neutral and polar, at codon 1330 of the NF1 protein (p.Glu1330Gln). This variant is not present in population databases (gnomAD no frequency). This variant has not been reported in the literature in individuals affected with NF1-related conditions. ClinVar contains an entry for this variant (Variation ID: 1009326). Invitae Evidence Modeling of protein sequence and biophysical properties (such as structural, functional, and spatial information, amino acid conservation, physicochemical variation, residue mobility, and thermodynamic stability) indicates that this missense variant is expected to disrupt NF1 protein function with a positive predictive value of 95%. In summary, the available evidence is currently insufficient to determine the role of this variant in disease. Therefore, it has been classified as a Variant of Uncertain Significance.